The following is an entry in ClinVar:

NM_001163809.2(WDR81):c.3210C>A (p.Gly1070=)

Gene: WDR81 (WD repeat domain 81; plus strand). Cytogenetic location: 17p13.3.
Variant type: single nucleotide variant.
Coding change: c.3210C>A on transcript NM_001163809.2 (MANE Select); coding-DNA position 3210, C replaced by A.
Protein change: p.Gly1070=; no amino-acid change (glycine 1070 retained).
Molecular consequence: synonymous variant. On other transcripts: intron variant (2).
Genome position (GRCh38, 1-based): chr17:1,728,169, C>A. VCF-style: chr17-1728169-C-A. GRCh37 (hg19) VCF-style: chr17-1631463-C-A.
Other names: c.57C>A, p.Gly19= (NM_152348.4); c.59-2211C>A (NM_001163673.2); c.-14-2211C>A (NM_001163811.2).
Identifiers: ClinVar variation 4823442 (VCV004823442.4).
Genomic context (GRCh38, chr17:1,728,169, plus strand): 5'-TCCCATGGATGGGGAGCCTCCTGCCTCCTCGGGCCTGGGGCTCCCAGACTACACGTCTGG[C>A]GTCAGCTTCCACGACCAGGCTGACCTCCCTGAGACAGAGGACTTCCAAGCCGGGCTCTAT-3'
Protein context (NP_001157281.1, residues 1060-1080): SGLGLPDYTS[Gly1070=]VSFHDQADLP

ClinVar aggregate classification (germline): Likely benign (1 of 4 stars; one submission).

Submission:

CeGaT Center for Human Genetics Tuebingen
Classification: Likely benign. Last evaluated: 2026-02-01. Review status: criteria provided, single submitter. Criteria: CeGaT Center For Human Genetics Tuebingen Variant Classification Criteria Version 2. Collection method: clinical testing. Allele origin: germline. Affected: yes. Observed: 1 variant allele.
Comment: WDR81: PM2:Supporting, BP4, BP7